The following is an entry in ClinVar:

NM_005159.5(ACTC1):c.950A>G (p.Lys317Arg)

Genes: ACTC1 (actin alpha cardiac muscle 1; minus strand), GJD2-DT (GJD2 divergent transcript; plus strand). Cytogenetic location: 15q14.
Variant type: single nucleotide variant.
Coding change: c.950A>G on transcript NM_005159.5 (MANE Select); coding-DNA position 950, A replaced by G.
Protein change: p.Lys317Arg; replaces lysine 317 with arginine.
Molecular consequence: missense variant.
Genome position (GRCh38, 1-based): chr15:34,791,154, T>C on the plus strand (A>G on the coding strand, the complement: ACTC1 is on the minus strand). VCF-style: chr15-34791154-T-C. GRCh37 (hg19) VCF-style: chr15-35083355-T-C.
Other names: c.950A>G, p.Lys317Arg (NM_001406482.1, NM_001406483.1); c.815A>G, p.Lys272Arg (NM_001406484.1); c.509A>G, p.Lys170Arg (NM_001406485.1); short protein forms K272R, K170R, K317R.
Identifiers: ClinVar variation 2921885 (VCV002921885.3), dbSNP rs2504177354, ClinGen allele CA391629356.
Genomic context (GRCh38, chr15:34,791,154, plus strand): 5'-CACTCACAAAAGTTCTTTACCTTAATCTTCATGGTGCTAGGAGCCAGAGCAGTGATTTCC[T>C]TCTGCATACGATCAGCAATACCAGGGTACATAGTGGTGCCTCCAGATAAGACATTGTTGG-3'
Protein context (NP_005150.1, residues 307-327): MYPGIADRMQ[Lys317Arg]EITALAPSTM

ClinVar aggregate classification (germline): Uncertain significance (1 of 4 stars; one submission).

Conditions:
Atrial septal defect 5 (ASD5). Identifiers: Orphanet 1478, MedGen C2748552, MONDO:0013011, OMIM 612794.
Dilated cardiomyopathy 1R (CMD1R). Identifiers: Orphanet 154, Orphanet 54260, MedGen C3150681, MONDO:0013261, OMIM 613424.
Hypertrophic cardiomyopathy 11. Also called: ACTC1-Related Familial Hypertrophic Cardiomyopathy. Identifiers: MedGen C2677506, MONDO:0012799, OMIM 612098.

Submission:

Labcorp Genetics (formerly Invitae), Labcorp
Classification: Uncertain significance for Dilated cardiomyopathy 1R; Hypertrophic cardiomyopathy 11; Atrial septal defect 5. Last evaluated: 2024-01-02. Review status: criteria provided, single submitter. Criteria: Invitae Variant Classification Sherloc (09022015). Collection method: clinical testing. Allele origin: germline.
Comment: This sequence change replaces lysine, which is basic and polar, with arginine, which is basic and polar, at codon 317 of the ACTC1 protein (p.Lys317Arg). This variant is not present in population databases (gnomAD no frequency). This variant has not been reported in the literature in individuals affected with ACTC1-related conditions. Advanced modeling of protein sequence and biophysical properties (such as structural, functional, and spatial information, amino acid conservation, physicochemical variation, residue mobility, and thermodynamic stability) performed at Invitae indicates that this missense variant is not expected to disrupt ACTC1 protein function with a negative predictive value of 80%. This variant disrupts the p.Lys317 amino acid residue in ACTC1. Other variant(s) that disrupt this residue have been determined to be pathogenic (Invitae). This suggests that this residue is clinically significant, and that variants that disrupt this residue are likely to be disease-causing. In summary, the available evidence is currently insufficient to determine the role of this variant in disease. Therefore, it has been classified as a Variant of Uncertain Significance.